The following is an entry in ClinVar:

ClinVar aggregate classification (germline): Uncertain significance. Review status: criteria provided, multiple submitters, no conflicts (2 of 4 stars). 3 submissions from 3 submitters: Uncertain significance (3). Last evaluated 2025-11-19.

Conditions:
Inborn genetic diseases. Identifiers: MedGen C0950123, MeSH D030342.
Epilepsy, X-linked 1, with variable learning disabilities and behavior disorders. Also called: X-linked epilepsy-learning disabilities-behavior disorders syndrome. Identifiers: Orphanet 85294, MedGen C5774177, MONDO:0010339, OMIM 300491.

Allele frequency attached by ClinVar (database versions not stated): gnomAD exomes below 0.00001; gnomAD 0.00001; TOPMed 0.00002.
gnomAD v4.1: 4 of 1,103,790 alleles (0.00036%); highest among the groups gnomAD compares: Non-Finnish European, 0.00047%; no homozygotes.

Submissions (3):

Labcorp Genetics (formerly Invitae), Labcorp
Classification: Uncertain significance for Epilepsy, X-linked 1, with variable learning disabilities and behavior disorders. Last evaluated: 2025-11-19. Review status: criteria provided, single submitter. Criteria: Invitae Variant Classification Sherloc (09022015). Collection method: clinical testing. Allele origin: germline.
Comment: This sequence change replaces glycine, which is neutral and non-polar, with serine, which is neutral and polar, at codon 571 of the SYN1 protein (p.Gly571Ser). This variant is not present in population databases (gnomAD no frequency). This variant has not been reported in the literature in individuals affected with SYN1-related conditions. ClinVar contains an entry for this variant (Variation ID: 1037249). Experimental studies and prediction algorithms are not available or were not evaluated, and the functional significance of this variant is currently unknown. In summary, the available evidence is currently insufficient to determine the role of this variant in disease. Therefore, it has been classified as a Variant of Uncertain Significance.

Blueprint Genetics
Classification: Uncertain significance. Last evaluated: 2024-06-06. Review status: criteria provided, single submitter. Criteria: ACMG Guidelines, 2015. Collection method: clinical testing. Allele origin: germline.

Ambry Genetics
Classification: Uncertain significance for Inborn genetic diseases. Last evaluated: 2021-06-11. Review status: criteria provided, single submitter. Criteria: Ambry Variant Classification Scheme 2023. Collection method: clinical testing. Allele origin: germline.

NM_006950.3(SYN1):c.1711G>A (p.Gly571Ser)

Gene: SYN1 (synapsin I; minus strand). Cytogenetic location: Xp11.3.
Variant type: single nucleotide variant.
Coding change: c.1711G>A on transcript NM_006950.3 (MANE Select); coding-DNA position 1711, G replaced by A.
Protein change: p.Gly571Ser; replaces glycine 571 with serine.
Molecular consequence: missense variant.
Genome position (GRCh38, 1-based): chrX:47,574,273, C>T on the plus strand (G>A on the coding strand, the complement: SYN1 is on the minus strand). VCF-style: chrX-47574273-C-T. GRCh37 (hg19) VCF-style: chrX-47433672-C-T.
Other names: c.1711G>A, p.Gly571Ser (NM_133499.2); short protein forms G571S.
Identifiers: ClinVar variation 1037249 (VCV001037249.11), dbSNP rs1284009431, ClinGen allele CA412822820.